The following is an entry in ClinVar:

NM_001354604.2(MITF):c.870G>C (p.Arg290Ser)

Gene: MITF (melanocyte inducing transcription factor; plus strand). Cytogenetic location: 3p13.
Variant type: single nucleotide variant.
Coding change: c.870G>C on transcript NM_001354604.2 (MANE Select); coding-DNA position 870, G replaced by C.
Protein change: p.Arg290Ser; replaces arginine 290 with serine.
Molecular consequence: missense variant.
Genome position (GRCh38, 1-based): chr3:69,949,158, G>C. VCF-style: chr3-69949158-G-C. GRCh37 (hg19) VCF-style: chr3-69998309-G-C.
Other names: c.549G>C, p.Arg183Ser (NM_000248.4, NM_198158.3); c.714G>C, p.Arg238Ser (NM_001184967.2, NM_001354608.2); c.867G>C, p.Arg289Ser (NM_001354605.2, NM_001354606.2, NM_006722.3); c.819G>C, p.Arg273Ser (NM_001354607.2); c.870G>C, p.Arg290Ser (NM_198159.3); c.822G>C, p.Arg274Ser (NM_198177.3); c.381G>C, p.Arg127Ser (NM_198178.3); short protein forms R238S, R273S, R127S, R183S, R274S, R289S, R290S.
Identifiers: ClinVar variation 4648588 (VCV004648588.1).

ClinVar aggregate classification (germline): Uncertain significance (1 of 4 stars; one submission).

Conditions:
Hereditary cancer-predisposing syndrome. Also called: Neoplastic Syndromes, Hereditary; Tumor predisposition; Hereditary Cancer Syndrome; Hereditary neoplastic syndrome. Identifiers: Orphanet 140162, MedGen C0027672, MeSH D009386, MONDO:0015356.

Submission:

Ambry Genetics
Classification: Uncertain significance for Hereditary cancer-predisposing syndrome. Last evaluated: 2025-10-03. Review status: criteria provided, single submitter. Criteria: Ambry Variant Classification Scheme 2023. Collection method: clinical testing. Allele origin: germline.
Comment: The p.R183S variant (also known as c.549G>C), located in coding exon 5 of the MITF gene, results from a G to C substitution at nucleotide position 549. The arginine at codon 183 is replaced by serine, an amino acid with dissimilar properties. This amino acid position is conserved. In addition, this alteration is predicted to be tolerated by in silico analysis. Based on the available evidence, the clinical significance of this variant remains unclear.